The following is an entry in ClinVar:

ClinVar aggregate classification (germline): Uncertain significance (1 of 4 stars; one submission).

Conditions:
Familial thoracic aortic aneurysm and aortic dissection (TAAD). Also called: Thoracic aortic aneurysms and dissections. Identifiers: Orphanet 91387, MedGen C4707243, MONDO:0019625.

gnomAD v4.1: 2 of 1,613,896 alleles (0.00012%); highest among the groups gnomAD compares: Non-Finnish European, 0.00017%; no homozygotes.

Submission:

Ambry Genetics
Classification: Uncertain significance for Familial thoracic aortic aneurysm and aortic dissection. Last evaluated: 2024-08-28. Review status: criteria provided, single submitter. Criteria: Ambry Variant Classification Scheme 2023. Collection method: clinical testing. Allele origin: germline.
Comment: The p.A691T variant (also known as c.2071G>A), located in coding exon 19 of the PLOD1 gene, results from a G to A substitution at nucleotide position 2071. The alanine at codon 691 is replaced by threonine, an amino acid with similar properties. This amino acid position is conserved. In addition, this alteration is predicted to be tolerated by in silico analysis. Based on the available evidence, the clinical significance of this variant remains unclear.

NM_000302.4(PLOD1):c.2071G>A (p.Ala691Thr)

Gene: PLOD1 (procollagen-lysine,2-oxoglutarate 5-dioxygenase 1; plus strand). Cytogenetic location: 1p36.22.
Variant type: single nucleotide variant.
Coding change: c.2071G>A on transcript NM_000302.4 (MANE Select); coding-DNA position 2071, G replaced by A.
Protein change: p.Ala691Thr; replaces alanine 691 with threonine.
Molecular consequence: missense variant.
Genome position (GRCh38, 1-based): chr1:11,974,695, G>A. VCF-style: chr1-11974695-G-A. GRCh37 (hg19) VCF-style: chr1-12034752-G-A.
Other names: c.2212G>A, p.Ala738Thr (NM_001316320.2); short protein forms A691T, A738T.
Identifiers: ClinVar variation 3420927 (VCV003420927.1).